The following is an entry in ClinVar:

ClinVar aggregate classification (germline): Uncertain significance (1 of 4 stars; one submission).

Submission:

Labcorp Genetics (formerly Invitae), Labcorp
Classification: Uncertain significance. Last evaluated: 2021-03-28. Review status: criteria provided, single submitter. Criteria: Invitae Variant Classification Sherloc (09022015). Collection method: clinical testing. Allele origin: germline.
Comment: Algorithms developed to predict the effect of missense changes on protein structure and function (SIFT, PolyPhen-2, Align-GVGD) all suggest that this variant is likely to be disruptive, but these predictions have not been confirmed by published functional studies and their clinical significance is uncertain. This variant has been observed in individual(s) with lissencephaly and subcortical band heterotopia (Invitae). This variant is not present in population databases (ExAC no frequency). This sequence change replaces threonine with arginine at codon 88 of the DCX protein (p.Thr88Arg). The threonine residue is highly conserved and there is a moderate physicochemical difference between threonine and arginine. This variant disrupts the p.Thr88 amino acid residue in DCX. Other variant(s) that disrupt this residue have been observed in individuals with DCX-related conditions (PMID: 17111359), which suggests that this may be a clinically significant amino acid residue. In summary, the available evidence is currently insufficient to determine the role of this variant in disease. Therefore, it has been classified as a Variant of Uncertain Significance.

Literature cited by the submitters: PubMed 17111359.

NM_001195553.2(DCX):c.263C>G (p.Thr88Arg)

Gene: DCX (doublecortin; minus strand). Cytogenetic location: Xq23.
Variant type: single nucleotide variant.
Coding change: c.263C>G on transcript NM_001195553.2 (MANE Select); coding-DNA position 263, C replaced by G.
Protein change: p.Thr88Arg; replaces threonine 88 with arginine.
Molecular consequence: missense variant.
Genome position (GRCh38, 1-based): chrX:111,410,136, G>C on the plus strand (C>G on the coding strand, the complement: DCX is on the minus strand). VCF-style: chrX-111410136-G-C. GRCh37 (hg19) VCF-style: chrX-110653364-G-C.
Other names: c.506C>G, p.Thr169Arg (NM_000555.3); c.263C>G, p.Thr88Arg (NM_001369370.1, NM_001369371.1, NM_001369372.1 and 5 more transcripts); short protein forms T169R, T88R.
Identifiers: ClinVar variation 1382878 (VCV001382878.8), dbSNP rs2147276286, ClinGen allele CA414246763.
Genomic context (GRCh38, chrX:111,410,136, plus strand): 5'-TCAATGGTGTAAATGTAACGCACTCCCTGAGGCAGGTTGATGTTGTCAGACAGAGATCGC[G>C]TCAGGTCAGCCAGCAAGGCGTCAAAGCTGCGAAAACGGTCAGAGGACACAGCGTACACAA-3'
Protein context (NP_001182482.1, residues 78-98): RSFDALLADL[Thr88Arg]RSLSDNINLP